The following is an entry in ClinVar:

NM_181458.4(PAX3):c.1204G>T (p.Val402Leu)

Gene: PAX3 (paired box 3; minus strand). Cytogenetic location: 2q36.1.
Variant type: single nucleotide variant.
Coding change: c.1204G>T on transcript NM_181458.4 (MANE Select); coding-DNA position 1204, G replaced by T.
Protein change: p.Val402Leu; replaces valine 402 with leucine.
Molecular consequence: missense variant. On other transcripts: intron variant (2).
Genome position (GRCh38, 1-based): chr2:222,202,160, C>A on the plus strand (G>T on the coding strand, the complement: PAX3 is on the minus strand). VCF-style: chr2-222202160-C-A. GRCh37 (hg19) VCF-style: chr2-223066879-C-A.
Other names: c.1201G>T, p.Val401Leu (NM_001127366.3); c.1204G>T, p.Val402Leu (NM_181457.4, NM_181459.4); c.1174-718G>T (NM_181460.4, NM_181461.4); short protein forms V402L, V401L.
Identifiers: ClinVar variation 2411333 (VCV002411333.3), dbSNP rs374318137, ClinGen allele CA2135464.

ClinVar aggregate classification (germline): Uncertain significance. Review status: criteria provided, multiple submitters, no conflicts (2 of 4 stars). 2 submissions from 2 submitters: Uncertain significance (2). Last evaluated 2025-04-22.

Conditions:
Inborn genetic diseases. Identifiers: MedGen C0950123, MeSH D030342.

Allele frequency attached by ClinVar (database versions not stated): gnomAD 0.00005; TOPMed 0.00007; ESP Exome Variant Server 0.00008; ExAC 0.00001; gnomAD exomes 0.00001.
gnomAD v4.1: 10 of 1,606,350 alleles (0.00062%); highest among the groups gnomAD compares: African/African-American, 0.013%; no homozygotes.

Submissions (2):

GeneDx
Classification: Uncertain significance. Last evaluated: 2025-04-22. Review status: criteria provided, single submitter. Criteria: GeneDx Variant Classification Process June 2021. Collection method: clinical testing. Allele origin: germline. Affected: yes.
Comment: In silico analysis indicates that this missense variant does not alter protein structure/function; Has not been previously published as pathogenic or benign to our knowledge

Ambry Genetics
Classification: Uncertain significance for Inborn genetic diseases. Last evaluated: 2022-04-22. Review status: criteria provided, single submitter. Criteria: Ambry Variant Classification Scheme 2023. Collection method: clinical testing. Allele origin: germline.